The following is an entry in ClinVar:

NM_005609.4(PYGM):c.1103_1104del (p.Val368fs)

Gene: PYGM (glycogen phosphorylase, muscle associated; minus strand). Cytogenetic location: 11q13.1.
Variant type: Microsatellite.
Coding change: c.1103_1104del on transcript NM_005609.4 (MANE Select); coding-DNA positions 1103 to 1104, 2 bases deleted (TG; older notation c.1103_1104delTG).
Protein change: p.Val368fs; shifts the reading frame from valine 368.
Molecular consequence: frameshift variant.
Genome position (GRCh38, 1-based): chr11:64,754,014-64,754,015, CA deleted on the plus strand (TG on the coding strand, the reverse complement: PYGM is on the minus strand); deleting any 2 consecutive bases within chr11:64,754,014-64,754,017 gives the same sequence; the c. name uses the placement nearest the transcript's 3' end. VCF-style (leftmost placement, unchanged base first): chr11-64754013-TCA-T. GRCh37 (hg19) VCF-style: chr11-64521485-TCA-T.
Other names: c.839_840del, p.Val280fs (NM_001164716.1); short protein forms V280fs, V368fs.
Identifiers: ClinVar variation 5013126 (VCV005013126.1).
Genomic context (GRCh38, chr11:64,754,013, plus strand): 5'-GCCAGCGCTCCAGGGCCTCGGGCAGCACCGTGTGGTTGGTGTAGGCACAGGTCCTCACTG[TCA>T]CATCCCACGCCTGGCACACGGGGTGGGCAGTCAGGATGCTGACCTCAGCCCAGTGGGTCT-3'

ClinVar aggregate classification (germline): Pathogenic (1 of 4 stars; one submission).

Conditions:
Glycogen storage disease, type V (GSD5). Also called: MCARDLE DISEASE; MUSCLE GLYCOGEN PHOSPHORYLASE DEFICIENCY; MYOPHOSPHORYLASE DEFICIENCY; PYGM DEFICIENCY; McArdle type glycogen storage disease. Identifiers: Orphanet 368, MedGen C0017924, MONDO:0009293, OMIM 232600.

Submission:

Myriad Genetics, Inc.
Classification: Pathogenic for Glycogen storage disease, type V. Last evaluated: 2024-05-14. Review status: criteria provided, single submitter. Criteria: Myriad Autosomal Dominant, Autosomal Recessive and X-Linked Classification Criteria (2023). Collection method: clinical testing. Allele origin: unknown.
Comment: NM_005609.2(PYGM):c.1103_1104delTG(V368Dfs*106) is expected to be pathogenic in the context of glycogen storage disease, PYGM-related. This variant is predicted to lead to an abnormal or absent protein product due to the creation of a premature termination codon in PYGM, a gene where loss-of-function variants are known to be pathogenic. Please note: this variant was assessed in the context of healthy population screening.